The following is an entry in ClinVar:

NM_015302.2(HAUS5):c.1776G>T (p.Val592=)

Gene: HAUS5 (HAUS augmin like complex subunit 5; plus strand). Cytogenetic location: 19q13.12.
Variant type: single nucleotide variant.
Coding change: c.1776G>T on transcript NM_015302.2 (MANE Select); coding-DNA position 1776, G replaced by T.
Protein change: p.Val592=; no amino-acid change (valine 592 retained).
Molecular consequence: synonymous variant.
Genome position (GRCh38, 1-based): chr19:35,622,725, G>T. VCF-style: chr19-35622725-G-T. GRCh37 (hg19) VCF-style: chr19-36113627-G-T.
Identifiers: ClinVar variation 2649722 (VCV002649722.24), dbSNP rs201392523, ClinGen allele CA9382318.

ClinVar aggregate classification (germline): Likely benign (1 of 4 stars; one submission).

Allele frequency attached by ClinVar (database versions not stated): ExAC 0.00076; 1000 Genomes Project 0.00260; gnomAD 0.00261; 1000 Genomes Project 30x 0.00297; ESP Exome Variant Server 0.00311.
gnomAD v4.1: 773 of 1,613,954 alleles (0.048%); highest among the groups gnomAD compares: African/African-American, 0.91%; 4 homozygotes.

Submission:

CeGaT Center for Human Genetics Tuebingen
Classification: Likely benign. Last evaluated: 2022-03-01. Review status: criteria provided, single submitter. Criteria: CeGaT Center For Human Genetics Tuebingen Variant Classification Criteria Version 2. Collection method: clinical testing. Allele origin: germline. Affected: yes. Observed: 1 variant allele.
Comment: HAUS5: BP4, BP7